The following is an entry in ClinVar:

NM_000083.3(CLCN1):c.1065-5C>T

Gene: CLCN1 (chloride voltage-gated channel 1; plus strand). Cytogenetic location: 7q34.
Variant type: single nucleotide variant.
Coding change: c.1065-5C>T on transcript NM_000083.3 (MANE Select); 5 bases into the intron before coding-DNA position 1065, C replaced by T.
Molecular consequence: intron variant.
Genome position (GRCh38, 1-based): chr7:143,331,546, C>T. VCF-style: chr7-143331546-C-T. GRCh37 (hg19) VCF-style: chr7-143028639-C-T.
Other names: c.1065-5C>T (NM_000083.2).
Identifiers: ClinVar variation 1643304 (VCV001643304.10), dbSNP rs369660130, ClinGen allele CA4537235.

ClinVar aggregate classification (germline): Likely benign. Review status: criteria provided, single submitter (1 of 4 stars). 2 submissions from 2 submitters: Likely benign (1). 1 of the submissions does not count toward it. Last evaluated 2025-03-07.

Conditions:
CLCN1-related disorder. Also called: CLCN1-related condition.
Congenital myotonia, autosomal dominant form (THD). Also called: THOMSEN DISEASE; Myotonia congenita autosomal dominant. Identifiers: Orphanet 614, MedGen C2936781, MONDO:0008055, OMIM 160800.
Congenital myotonia, autosomal recessive form. Also called: BECKER DISEASE; Becker Generalized Myotonia; myotonia congenita, autosomal recessive. Identifiers: Orphanet 614, MedGen C0751360, MONDO:0009715, OMIM 255700.

Allele frequency attached by ClinVar (database versions not stated): ExAC 0.00001; gnomAD 0.00001; gnomAD exomes 0.00002; TOPMed 0.00002; ESP Exome Variant Server 0.00008.

Submissions (2):

Labcorp Genetics (formerly Invitae), Labcorp
Classification: Likely benign for Congenital myotonia, autosomal recessive form; Congenital myotonia, autosomal dominant form. Last evaluated: 2025-03-07. Review status: criteria provided, single submitter. Criteria: Invitae Variant Classification Sherloc (09022015). Collection method: clinical testing. Allele origin: germline.

PreventionGenetics, part of Exact Sciences
Classification: Likely benign for CLCN1-related condition. Last evaluated: 2022-06-09. Review status: no assertion criteria provided. Collection method: clinical testing. Allele origin: germline. Not counted in ClinVar's aggregate classification.
Comment: This variant is classified as likely benign based on ACMG/AMP sequence variant interpretation guidelines (Richards et al. 2015 PMID: 25741868, with internal and published modifications).